The following is an entry in ClinVar:

ClinVar aggregate classification (germline): Likely pathogenic. Review status: criteria provided, multiple submitters, no conflicts (2 of 4 stars). 5 submissions from 4 submitters: Likely pathogenic (5). Last evaluated 2025-11-05.

Conditions:
Congenital hyperammonemia, type I. Also called: Carbamoyl phosphate synthetase 1 deficiency; Hyperammonemia due to carbamoyl phosphate synthetase 1 deficiency; CPS 1 deficiency; Carbamyl phosphate synthetase (CPS) deficiency; CPS I DEFICIENCY; Carbamoyl-phosphate synthase I deficiency. Identifiers: Orphanet 147, MedGen C4082171, MONDO:0009376, OMIM 237300.
Interstitial lung disease due to ABCA3 deficiency. Also called: PULMONARY ALVEOLAR PROTEINOSIS, CONGENITAL, 3. Identifiers: Orphanet 440402, MedGen C1970456, MONDO:0012582, OMIM 610921.

Allele frequency attached by ClinVar (database versions not stated): gnomAD exomes below 0.00001.

Submissions (5):

3billion
Classification: Likely pathogenic for Interstitial lung disease due to ABCA3 deficiency. Last evaluated: 2025-11-05. Review status: criteria provided, single submitter. Criteria: ACMG Guidelines, 2015. Collection method: clinical testing. Allele origin: germline. Affected: yes.
Comment: The variant is observed at an extremely low frequency in the gnomAD v4.1.0 dataset (total allele frequency: <0.001%). Predicted Consequence/Location: Missense variant In silico tool predictions suggest damaging effect of the variant on gene or gene product [REVEL: 0.73 (>=0.6, sensitivity 0.68 and specificity 0.92)]. The same nucleotide change resulting in the same amino acid change has been previously reported as pathogenic/likely pathogenic with strong evidence (ClinVar ID: VCV001504022). Therefore, this variant is classified as Likely pathogenic according to the recommendation of ACMG/AMP guideline.

Genomic Medicine Center of Excellence, King Faisal Specialist Hospital and Research Centre
Classification: Likely pathogenic for Interstitial lung disease due to ABCA3 deficiency. Last evaluated: 2025-09-10. Review status: criteria provided, single submitter. Criteria: ACMG Guidelines, 2015. Collection method: clinical testing. Allele origin: germline.

Genomic Medicine Center of Excellence, King Faisal Specialist Hospital and Research Centre
Classification: Likely pathogenic for Congenital hyperammonemia, type I. Last evaluated: 2024-12-17. Review status: criteria provided, single submitter. Criteria: ACMG Guidelines, 2015. Collection method: clinical testing. Allele origin: germline.

GeneDx
Classification: Likely pathogenic. Last evaluated: 2022-11-08. Review status: criteria provided, single submitter. Criteria: GeneDx Variant Classification Process June 2021. Collection method: clinical testing. Allele origin: germline. Affected: yes.
Comment: Not observed at significant frequency in large population cohorts (gnomAD); In silico analysis supports that this missense variant has a deleterious effect on protein structure/function; This variant is associated with the following publications: (PMID: 31130284, 24871971)

Labcorp Genetics (formerly Invitae), Labcorp
Classification: Likely pathogenic. Last evaluated: 2021-04-02. Review status: criteria provided, single submitter. Criteria: Invitae Variant Classification Sherloc (09022015). Collection method: clinical testing. Allele origin: germline.
Comment: This variant is not present in population databases (ExAC no frequency). In summary, the currently available evidence indicates that the variant is pathogenic, but additional data are needed to prove that conclusively. Therefore, this variant has been classified as Likely Pathogenic. Algorithms developed to predict the effect of missense changes on protein structure and function are either unavailable or do not agree on the potential impact of this missense change (SIFT: "Deleterious"; PolyPhen-2: "Probably Damaging"; Align-GVGD: "Class C0"). This variant has been observed in individual(s) with clinical features of pulmonary surfactant metabolism dysfunction (PMID: 24871971, 31130284, Invitae). It has also been observed to segregate with disease in related individuals. This sequence change replaces serine with proline at codon 1049 of the ABCA3 protein (p.Ser1049Pro). The serine residue is moderately conserved and there is a moderate physicochemical difference between serine and proline.

Literature cited by the submitters: PubMed 24871971 (cited by Labcorp Genetics (formerly Invitae), Labcorp); PubMed 31130284 (cited by Labcorp Genetics (formerly Invitae), Labcorp).

NM_001089.3(ABCA3):c.3145T>C (p.Ser1049Pro)

Gene: ABCA3 (ATP binding cassette subfamily A member 3; minus strand). Cytogenetic location: 16p13.3.
Variant type: single nucleotide variant.
Coding change: c.3145T>C on transcript NM_001089.3 (MANE Select); coding-DNA position 3145, T replaced by C.
Protein change: p.Ser1049Pro; replaces serine 1049 with proline.
Molecular consequence: missense variant.
Genome position (GRCh38, 1-based): chr16:2,286,827, A>G on the plus strand (T>C on the coding strand, the complement: ABCA3 is on the minus strand). VCF-style: chr16-2286827-A-G. GRCh37 (hg19) VCF-style: chr16-2336828-A-G.
Other names: c.3145T>C (NM_001089.2); short protein forms S1049P.
Identifiers: ClinVar variation 1504022 (VCV001504022.11), dbSNP rs1460001890, ClinGen allele CA394320116.